The following is an entry in ClinVar:

NM_001291303.3(FAT4):c.4636G>A (p.Val1546Ile)

Gene: FAT4 (FAT atypical cadherin 4; plus strand). Cytogenetic location: 4q28.1.
Variant type: single nucleotide variant.
Coding change: c.4636G>A on transcript NM_001291303.3 (MANE Select); coding-DNA position 4636, G replaced by A.
Protein change: p.Val1546Ile; replaces valine 1546 with isoleucine.
Molecular consequence: missense variant.
Genome position (GRCh38, 1-based): chr4:125,321,047, G>A. VCF-style: chr4-125321047-G-A. GRCh37 (hg19) VCF-style: chr4-126242202-G-A.
Other names: c.4636G>A (NM_024582.4); c.4636G>A, p.Val1546Ile (NM_001291285.3, NM_024582.6); short protein forms V1546I.
Identifiers: ClinVar variation 1361902 (VCV001361902.7), dbSNP rs755526114, ClinGen allele CA3072494.
Genomic context (GRCh38, chr4:125,321,047, plus strand): 5'-GTCCCAATGTTTATATCACAAAACGCCCTTGCTGCAGACCCATCAGCTGTGATTGGTTCC[G>A]TTCTGACAACAATTATGGCTGCTGACCCAGATGAAGGTGCTAATGGAGAAATAGAGTATG-3'
Protein context (NP_001278232.1, residues 1536-1556): AADPSAVIGS[Val1546Ile]LTTIMAADPD

ClinVar aggregate classification (germline): Uncertain significance. Review status: criteria provided, multiple submitters, no conflicts (2 of 4 stars). 2 submissions from 2 submitters: Uncertain significance (2). Last evaluated 2025-03-16.

Conditions:
Inborn genetic diseases. Identifiers: MedGen C0950123, MeSH D030342.

Allele frequency attached by ClinVar (database versions not stated): gnomAD 0.00003 and 0.00002; ExAC 0.00001; gnomAD exomes 0.00003; TOPMed 0.00004.
gnomAD v4.1: 32 of 1,614,034 alleles (0.002%); highest among the groups gnomAD compares: Middle Eastern, 0.033%; no homozygotes.

Submissions (2):

Labcorp Genetics (formerly Invitae), Labcorp
Classification: Uncertain significance. Last evaluated: 2025-03-16. Review status: criteria provided, single submitter. Criteria: Invitae Variant Classification Sherloc (09022015). Collection method: clinical testing. Allele origin: germline.
Comment: This sequence change replaces valine, which is neutral and non-polar, with isoleucine, which is neutral and non-polar, at codon 1546 of the FAT4 protein (p.Val1546Ile). This variant is present in population databases (rs755526114, gnomAD 0.005%). This variant has not been reported in the literature in individuals affected with FAT4-related conditions. ClinVar contains an entry for this variant (Variation ID: 1361902). An algorithm developed to predict the effect of missense changes on protein structure and function outputs the following: PolyPhen-2: "Benign". The isoleucine amino acid residue is found in multiple mammalian species, which suggests that this missense change does not adversely affect protein function. In summary, the available evidence is currently insufficient to determine the role of this variant in disease. Therefore, it has been classified as a Variant of Uncertain Significance.

Ambry Genetics
Classification: Uncertain significance for Inborn genetic diseases. Last evaluated: 2024-04-17. Review status: criteria provided, single submitter. Criteria: Ambry Variant Classification Scheme 2023. Collection method: clinical testing. Allele origin: germline.